The following is an entry in ClinVar:

ClinVar aggregate classification (germline): Pathogenic. Review status: criteria provided, multiple submitters, no conflicts (2 of 4 stars). 4 submissions from 4 submitters: Pathogenic (3). 1 of the submissions does not count toward it. Last evaluated 2024-02-28.

Conditions:
Polycystic kidney disease. Also called: Kidney, Polycystic; Polycystic kidney dysplasia. Identifiers: MedGen C0022680, MeSH D007690, MONDO:0020642, HP:0000113.
Polycystic kidney disease, adult type (PKD1). Also called: Polycystic Kidney Disease 1, Autosomal Dominant; Polycystic kidney disease 1; Polycystic kidney disease 1, severe; POLYCYSTIC KIDNEY DISEASE 1 WITH OR WITHOUT POLYCYSTIC LIVER DISEASE; POLYCYSTIC KIDNEY DISEASE, ADULT, TYPE I; Polycystic Kidney, Autosomal Dominant. Identifiers: MedGen C3149841, MONDO:0008263, OMIM 173900.

Submissions (4):

Fulgent Genetics
Classification: Pathogenic for Polycystic kidney disease, adult type. Last evaluated: 2024-02-28. Review status: criteria provided, single submitter. Criteria: ACMG Guidelines, 2015. Collection method: clinical testing. Allele origin: germline.

Athena Diagnostics
Classification: Pathogenic. Last evaluated: 2017-09-11. Review status: criteria provided, single submitter. Criteria: Athena Diagnostics Criteria. Collection method: clinical testing. Allele origin: germline.

Juno Genomics, Hangzhou Juno Genomics, Inc
Classification: Pathogenic for Polycystic kidney disease, adult type. Review status: criteria provided, single submitter. Criteria: ACMG Guidelines, 2015. Collection method: clinical testing. Allele origin: germline. Affected: yes.
Comment: Absent from controls (or at extremely low frequency if recessive) in Genome Aggregation Database, Exome Sequencing Project, 1000 Genomes Project, or Exome Aggregation Consortium.;Null variant in a gene where loss of function (LOF) is a known mechanism of disease.;Patient's phenotype or family history is highly specific for a disease with a single genetic etiology.

Department of Pathology and Laboratory Medicine, Sinai Health System
Classification: Pathogenic for Polycystic Kidney disease. Review status: no assertion criteria provided. Collection method: clinical testing. Allele origin: unknown. Affected: yes. Study: The Canadian Open Genetics Repository (COGR). Not counted in ClinVar's aggregate classification.
Comment: The PKD1 p.Gln3362* variant was identified in 1 of 1400 proband chromosomes (frequency: 0.0007) from French individuals or families with ADPKD (Audrezet 2012). The variant was also identified in ClinVar (classified pathogenic by Athena Diagnostics), ADPKD Mutation Database (classified as definitely pathogenic). The variant was not identified in the dbSNP, LOVD 3.0, or PKD1-LOVD databases. The variant was not identified in the following control databases: the Exome Aggregation Consortium (August 8th 2016) or the Genome Aggregation Database (Feb 27, 2017). The c.10084C>T variant leads to a premature stop codon at position 3362, which is predicted to lead to a truncated or absent protein and loss of function. Loss of function variants of the PKD1 gene are an established mechanism of disease in autosomal dominant polycystic kidney disease and is the type of variant expected to cause the disorder. In summary, based on the above information, this variant meets our laboratoryâ€šÃ„Ã´s criteria to be classified as pathogenic.

Literature cited by the submitters: PubMed 22508176 (cited by Athena Diagnostics); PubMed 25475747 (cited by Athena Diagnostics); PubMed 22008521 (cited by Athena Diagnostics).

NM_001009944.3(PKD1):c.10084C>T (p.Gln3362Ter)

Gene: PKD1 (polycystin 1, transient receptor potential channel interacting; minus strand). Cytogenetic location: 16p13.3.
Variant type: single nucleotide variant.
Coding change: c.10084C>T on transcript NM_001009944.3 (MANE Select); coding-DNA position 10084, C replaced by T.
Protein change: p.Gln3362Ter; replaces glutamine 3362 with a stop codon.
Molecular consequence: nonsense.
Genome position (GRCh38, 1-based): chr16:2,097,951, G>A on the plus strand (C>T on the coding strand, the complement: PKD1 is on the minus strand). VCF-style: chr16-2097951-G-A. GRCh37 (hg19) VCF-style: chr16-2147952-G-A.
Other names: c.10084C>T, p.Gln3362Ter (NM_000296.4); short protein forms Q3362*.
Identifiers: ClinVar variation 586237 (VCV000586237.5), dbSNP rs1567166045, ClinGen allele CA394348953.
Genomic context (GRCh38, chr16:2,097,951, plus strand): 5'-TGAGGAAGGAGCTGTCCAGCACGGACGAGTCCAGGCAGCTGTCGATGTCCAGCACCTGCT[G>A]CCCGGCAGGTGTGGGGCTCGGGCTCCCAGCCACCTGCAGGACGAGGGCAGTGGTCAGCGG-3'